The following is an entry in ClinVar:

NM_000057.4(BLM):c.3827C>T (p.Ala1276Val)

Gene: BLM (BLM RecQ like helicase; plus strand). Cytogenetic location: 15q26.1.
Variant type: single nucleotide variant.
Coding change: c.3827C>T on transcript NM_000057.4 (MANE Select); coding-DNA position 3827, C replaced by T.
Protein change: p.Ala1276Val; replaces alanine 1276 with valine.
Molecular consequence: missense variant.
Genome position (GRCh38, 1-based): chr15:90,809,212, C>T. VCF-style: chr15-90809212-C-T. GRCh37 (hg19) VCF-style: chr15-91352442-C-T.
Other names: c.3827C>T (LRG_20t1); c.3827C>T, p.Ala1276Val (NM_001287246.2); c.3434C>T, p.Ala1145Val (NM_001287247.2); c.2702C>T, p.Ala901Val (NM_001287248.2); short protein forms A1276V, A1145V, A901V.
Identifiers: ClinVar variation 235580 (VCV000235580.18), dbSNP rs760554566, ClinGen allele CA10581366.

ClinVar aggregate classification (germline): Uncertain significance. Review status: criteria provided, multiple submitters, no conflicts (2 of 4 stars). 5 submissions from 5 submitters: Uncertain significance (4). 1 of the submissions does not count toward it. Last evaluated 2025-11-24.

Conditions:
Hereditary cancer-predisposing syndrome. Also called: Hereditary neoplastic syndrome; Hereditary Cancer Syndrome; Neoplastic Syndromes, Hereditary; Tumor predisposition. Identifiers: Orphanet 140162, MedGen C0027672, MeSH D009386, MONDO:0015356.
Bloom syndrome (BLM). Also called: Bloom-Torre-Machacek syndrome. Identifiers: Orphanet 125, MedGen C0005859, MONDO:0008876, OMIM 210900.

Allele frequency attached by ClinVar (database versions not stated): TOPMed below 0.00001; gnomAD 0.00001.
gnomAD v4.1: 12 of 1,614,084 alleles (0.00074%); highest among the groups gnomAD compares: East Asian, 0.0022%; no homozygotes.

Submissions (5):

Labcorp Genetics (formerly Invitae), Labcorp
Classification: Uncertain significance for Bloom syndrome. Last evaluated: 2025-11-24. Review status: criteria provided, single submitter. Criteria: Invitae Variant Classification Sherloc (09022015). Collection method: clinical testing. Allele origin: germline.
Comment: This sequence change replaces alanine, which is neutral and non-polar, with valine, which is neutral and non-polar, at codon 1276 of the BLM protein (p.Ala1276Val). This variant is present in population databases (no rsID available, gnomAD 0.006%). This variant has not been reported in the literature in individuals affected with BLM-related conditions. ClinVar contains an entry for this variant (Variation ID: 235580). Invitae Evidence Modeling of protein sequence and biophysical properties (such as structural, functional, and spatial information, amino acid conservation, physicochemical variation, residue mobility, and thermodynamic stability) indicates that this missense variant is not expected to disrupt BLM protein function with a negative predictive value of 80%. In summary, the available evidence is currently insufficient to determine the role of this variant in disease. Therefore, it has been classified as a Variant of Uncertain Significance.

Ambry Genetics
Classification: Uncertain significance for Hereditary cancer-predisposing syndrome. Last evaluated: 2025-03-22. Review status: criteria provided, single submitter. Criteria: Ambry Variant Classification Scheme 2023. Collection method: clinical testing. Allele origin: germline.
Comment: The p.A1276V variant (also known as c.3827C>T), located in coding exon 19 of the BLM gene, results from a C to T substitution at nucleotide position 3827. The alanine at codon 1276 is replaced by valine, an amino acid with similar properties. This amino acid position is highly conserved in available vertebrate species. In addition, the in silico prediction for this alteration is inconclusive. Since supporting evidence is limited at this time, the clinical significance of this alteration remains unclear.

GeneDx
Classification: Uncertain significance. Last evaluated: 2024-06-27. Review status: criteria provided, single submitter. Criteria: GeneDx Variant Classification Process June 2021. Collection method: clinical testing. Allele origin: germline. Affected: yes.
Comment: Not observed at significant frequency in large population cohorts (gnomAD); In silico analysis indicates that this missense variant does not alter protein structure/function; Has not been previously published as pathogenic or benign to our knowledge

Center for Pediatric Genomic Medicine, Children's Mercy Hospital and Clinics
Classification: Uncertain significance. Last evaluated: 2015-09-29. Review status: criteria provided, single submitter. Criteria: ACMG Guidelines, 2015. Collection method: clinical testing. Allele origin: germline.
ClinVar note: Converted during submission from Uncertain Significance to Uncertain significance.

Natera, Inc.
Classification: Uncertain significance for Bloom syndrome. Last evaluated: 2020-09-16. Review status: no assertion criteria provided. Collection method: clinical testing. Allele origin: germline. Not counted in ClinVar's aggregate classification.